The following is an entry in ClinVar:

ClinVar aggregate classification (germline): Uncertain significance. Review status: criteria provided, multiple submitters, no conflicts (2 of 4 stars). 3 submissions from 3 submitters: Uncertain significance (3). Last evaluated 2025-05-02.

Conditions:
Dilated cardiomyopathy 1G (CMD1G). Identifiers: Orphanet 154, MedGen C1858763, MONDO:0011400, OMIM 604145.
Cardiovascular phenotype. Identifiers: MedGen CN230736.
Autosomal recessive limb-girdle muscular dystrophy type 2J (LGMDR10). Also called: Limb-girdle muscular dystrophy, type 2J; MUSCULAR DYSTROPHY, LIMB-GIRDLE, AUTOSOMAL RECESSIVE 10. Identifiers: Orphanet 140922, MedGen C1837342, MONDO:0012127, OMIM 608807.

Allele frequency attached by ClinVar (database versions not stated): TOPMed below 0.00001.

Submissions (3):

3billion
Classification: Uncertain significance for Dilated cardiomyopathy 1G. Last evaluated: 2025-05-02. Review status: criteria provided, single submitter. Criteria: ACMG Guidelines, 2015. Collection method: clinical testing. Allele origin: germline. Affected: yes.
Comment: The variant is not observed in the gnomAD v4.1.0 dataset. Predicted Consequence/Location: Intron variant In silico tools predict the variant to alter splicing and produce an abnormal transcript [SpliceAI: 0.89 (>=0.2, moderate evidence for spliceogenicity)]. The variant has been reported as of uncertain significance (ClinVar ID: VCV000467423; 3billion dataset). Therefore, this variant is classified as VUS according to the recommendation of ACMG/AMP guideline.

Ambry Genetics
Classification: Uncertain significance for Cardiovascular phenotype. Last evaluated: 2025-03-13. Review status: criteria provided, single submitter. Criteria: Ambry Variant Classification Scheme 2023. Collection method: clinical testing. Allele origin: germline.
Comment: The c.42520+5G>C intronic variant results from a G to C substitution 5 nucleotides after coding exon 152 in the TTN gene. This nucleotide position is highly conserved in available vertebrate species. In silico splice site analysis predicts that this alteration will weaken the native splice donor site. Based on the available evidence, the clinical significance of this variant remains unclear.

Labcorp Genetics (formerly Invitae), Labcorp
Classification: Uncertain significance for Dilated cardiomyopathy 1G; Autosomal recessive limb-girdle muscular dystrophy type 2J. Last evaluated: 2022-06-09. Review status: criteria provided, single submitter. Criteria: Invitae Variant Classification Sherloc (09022015). Collection method: clinical testing. Allele origin: germline.
Comment: This sequence change falls in intron 325 of the TTN gene. It does not directly change the encoded amino acid sequence of the TTN protein. It affects a nucleotide within the consensus splice site. In summary, the available evidence is currently insufficient to determine the role of this variant in disease. Therefore, it has been classified as a Variant of Uncertain Significance. This variant is located in the A band of TTN (PMID: 25589632). Variants in this region may be relevant for cardiac or neuromuscular disorders (PMID: 25589632, 23975875). Variants that disrupt the consensus splice site are a relatively common cause of aberrant splicing (PMID: 17576681, 9536098). Algorithms developed to predict the effect of sequence changes on RNA splicing suggest that this variant may disrupt the consensus splice site. ClinVar contains an entry for this variant (Variation ID: 467423). This variant has not been reported in the literature in individuals affected with TTN-related conditions. This variant is not present in population databases (gnomAD no frequency).

Literature cited by the submitters: PubMed 25589632 (cited by Labcorp Genetics (formerly Invitae), Labcorp); PubMed 23975875 (cited by Labcorp Genetics (formerly Invitae), Labcorp); PubMed 17576681 (cited by Labcorp Genetics (formerly Invitae), Labcorp); PubMed 9536098 (cited by Labcorp Genetics (formerly Invitae), Labcorp).

NM_001267550.2(TTN):c.69715+5G>C

Genes: TTN (titin; minus strand), TTN-AS1 (TTN antisense RNA 1; plus strand), LOC126806422 (BRD4-independent group 4 enhancer GRCh37_chr2:179440205-179441404; plus strand). Cytogenetic location: 2q31.2.
Variant type: single nucleotide variant.
Coding change: c.69715+5G>C on transcript NM_001267550.2 (MANE Select); 5 bases into the intron after coding-DNA position 69715, G replaced by C.
Molecular consequence: intron variant.
Genome position (GRCh38, 1-based): chr2:178,576,524, C>G on the plus strand (G>C on the coding strand, the complement: TTN is on the minus strand). VCF-style: chr2-178576524-C-G. GRCh37 (hg19) VCF-style: chr2-179441251-C-G.
Other names: c.42520+5G>C (NM_003319.4); c.43096+5G>C (NM_133437.4); c.42895+5G>C (NM_133432.3); c.62011+5G>C (NM_133378.4); c.64792+5G>C (NM_001256850.1).
Identifiers: ClinVar variation 467423 (VCV000467423.11), dbSNP rs1553615539, ClinGen allele CA658657147.
Genomic context (GRCh38, chr2:178,576,524, plus strand): 5'-TTGGGTAATTTAGATAAAATATTGGCACTCTGGAATGAACGGTGTTGAAAAAGACAAATA[C>G]TAACATGCTGCATCTTTCATCAGAACAGAATCTGAAGCCTCACTGGGTGGACCAATTCCT-3'